The following is an entry in ClinVar:

ClinVar aggregate classification (germline): Conflicting classifications of pathogenicity. Review status: criteria provided, conflicting classifications (1 of 4 stars). 17 submissions from 13 submitters: Uncertain significance (3); Benign (7); Likely benign (5). 2 of the submissions do not count toward it. Last evaluated 2026-05-01.

Conditions:
Dilated cardiomyopathy 1G (CMD1G). Identifiers: Orphanet 154, MedGen C1858763, MONDO:0011400, OMIM 604145.
Autosomal recessive limb-girdle muscular dystrophy type 2J (LGMDR10). Also called: Limb-girdle muscular dystrophy, type 2J; MUSCULAR DYSTROPHY, LIMB-GIRDLE, AUTOSOMAL RECESSIVE 10. Identifiers: Orphanet 140922, MedGen C1837342, MONDO:0012127, OMIM 608807.
Early-onset myopathy with fatal cardiomyopathy (CMYO5). Also called: CONGENITAL MYOPATHY 5 WITH CARDIOMYOPATHY; Salih Myopathy. Identifiers: Orphanet 289377, MedGen C2673677, MONDO:0012714, OMIM 611705. Disease mechanism: loss of function.
Myopathy, myofibrillar, 9, with early respiratory failure (MFM9). Also called: Hereditary myopathy with early respiratory failure; MYOPATHY, PROXIMAL, WITH EARLY RESPIRATORY MUSCLE INVOLVEMENT; EDSTROM MYOPATHY; Myopathy, distal, with early respiratory failure, autosomal dominant. Identifiers: Orphanet 178464, Orphanet 34521, MedGen C1863599, MONDO:0011362, OMIM 603689.
Tibial muscular dystrophy (TMD). Also called: UDD MYOPATHY; Tibial muscular dystrophy, tardive; Udd Distal Myopathy – Tibial Muscular Dystrophy. Identifiers: Orphanet 609, MedGen C1838244, MONDO:0010870, OMIM 600334.

Allele frequency attached by ClinVar (database versions not stated): gnomAD 0.00038 and 0.00039; TOPMed 0.00040; gnomAD exomes 0.00057; 1000 Genomes Project 0.00060; 1000 Genomes Project 30x 0.00062; ExAC 0.00063; ESP Exome Variant Server 0.00075.
gnomAD v4.1: 1,155 of 1,613,576 alleles (0.072%); highest among the groups gnomAD compares: South Asian, 0.13%; 1 homozygote.

Submissions (17):

CeGaT Center for Human Genetics Tuebingen
Classification: Likely benign. Last evaluated: 2026-05-01. Review status: criteria provided, single submitter. Criteria: CeGaT Center For Human Genetics Tuebingen Variant Classification Criteria Version 2. Collection method: clinical testing. Allele origin: germline. Affected: yes. Observed: 4 variant alleles.
Comment: TTN: BP4, BP7

Labcorp Genetics (formerly Invitae), Labcorp
Classification: Benign for Dilated cardiomyopathy 1G; Autosomal recessive limb-girdle muscular dystrophy type 2J. Last evaluated: 2026-02-04. Review status: criteria provided, single submitter. Criteria: Invitae Variant Classification Sherloc (09022015). Collection method: clinical testing. Allele origin: germline.

ARUP Laboratories, Molecular Genetics and Genomics, ARUP Laboratories
Classification: Benign. Last evaluated: 2025-07-22. Review status: criteria provided, single submitter. Criteria: ARUP Molecular Germline Variant Investigation Process 2024. Collection method: clinical testing. Allele origin: germline.

Mayo Clinic Laboratories, Mayo Clinic
Classification: Likely benign. Last evaluated: 2025-04-25. Review status: criteria provided, single submitter. Criteria: ACMG Guidelines, 2015. Collection method: clinical testing. Allele origin: germline. Observed: 2 variant alleles.
Comment: BP4, BP7

Blueprint Genetics
Classification: Likely benign. Last evaluated: 2024-11-17. Review status: criteria provided, single submitter. Criteria: ACMG Guidelines, 2015. Collection method: clinical testing. Allele origin: germline.

Women's Health and Genetics/Laboratory Corporation of America, LabCorp
Classification: Benign. Last evaluated: 2023-11-13. Review status: criteria provided, single submitter. Criteria: LabCorp Variant Classification Summary - May 2015. Collection method: clinical testing. Allele origin: germline.

Illumina Laboratory Services, Illumina
Classification: Uncertain significance for Autosomal recessive limb-girdle muscular dystrophy type 2J. Last evaluated: 2018-01-13. Review status: criteria provided, single submitter. Criteria: ICSL Variant Classification Criteria 13 December 2019. Collection method: clinical testing. Allele origin: germline.

Illumina Laboratory Services, Illumina
Classification: Benign for Tibial muscular dystrophy. Last evaluated: 2018-01-13. Review status: criteria provided, single submitter. Criteria: ICSL Variant Classification Criteria 13 December 2019. Collection method: clinical testing. Allele origin: germline.
Comment: This variant was observed in the ICSL laboratory as part of a predisposition screen in an ostensibly healthy population. It had not been previously curated by ICSL or reported in the Human Gene Mutation Database (HGMD: prior to June 1st, 2018), and was therefore a candidate for classification through an automated scoring system. Utilizing variant allele frequency, disease prevalence and penetrance estimates, and inheritance mode, an automated score was calculated to assess if this variant is too frequent to cause the disease. Based on the score and internal cut-off values, a variant classified as benign is not then subjected to further curation. The score for this variant resulted in a classification of benign for this disease.

Illumina Laboratory Services, Illumina
Classification: Benign for Myopathy, myofibrillar, 9, with early respiratory failure. Last evaluated: 2018-01-13. Review status: criteria provided, single submitter. Criteria: ICSL Variant Classification Criteria 13 December 2019. Collection method: clinical testing. Allele origin: germline.
Comment: the same text as in the submission from Illumina Laboratory Services, Illumina above.

Illumina Laboratory Services, Illumina
Classification: Uncertain significance for Early-onset myopathy with fatal cardiomyopathy. Last evaluated: 2018-01-13. Review status: criteria provided, single submitter. Criteria: ICSL Variant Classification Criteria 13 December 2019. Collection method: clinical testing. Allele origin: germline.

Illumina Laboratory Services, Illumina
Classification: Uncertain significance for Dilated cardiomyopathy 1G. Last evaluated: 2018-01-13. Review status: criteria provided, single submitter. Criteria: ICSL Variant Classification Criteria 13 December 2019. Collection method: clinical testing. Allele origin: germline.

Athena Diagnostics
Classification: Benign. Last evaluated: 2016-09-19. Review status: criteria provided, single submitter. Criteria: Athena Diagnostics Criteria. Collection method: clinical testing. Allele origin: germline.

Eurofins Ntd Llc (ga)
Classification: Likely benign. Last evaluated: 2016-05-09. Review status: criteria provided, single submitter. Criteria: EGL Classification Definitions 2015. Collection method: clinical testing. Allele origin: germline. Observed: 1 variant allele, 1 heterozygote.

GeneDx
Classification: Benign. Last evaluated: 2015-09-15. Review status: criteria provided, single submitter. Criteria: GeneDx Variant Classification (06012015). Collection method: clinical testing. Allele origin: germline. Affected: yes.
Comment: This variant is considered likely benign or benign based on one or more of the following criteria: it is a conservative change, it occurs at a poorly conserved position in the protein, it is predicted to be benign by multiple in silico algorithms, and/or has population frequency not consistent with disease.

Laboratory for Molecular Medicine, Mass General Brigham Personalized Medicine
Classification: Likely benign. Last evaluated: 2015-03-04. Review status: criteria provided, single submitter. Criteria: LMM Criteria. Collection method: clinical testing. Allele origin: germline. Observed: 5 variant alleles.
Comment: p.Gly7654Gly in exon 89 of TTN: This variant is not expected to have clinical si gnificance because it does not alter an amino acid residue and is not located wi thin the splice consensus sequence. It has been identified in 0.2% (27/16310) of South Asian chromosomes by the Exome Aggregation Consortium (ExAC.; dbSNP rs199525540).

Clinical Genetics, Academic Medical Center
Classification: Benign. Review status: no assertion criteria provided. Collection method: clinical testing. Allele origin: germline. Affected: yes. Study: VKGL Data-share Consensus. Not counted in ClinVar's aggregate classification.

Diagnostic Laboratory, Department of Genetics, University Medical Center Groningen
Classification: Likely benign. Review status: no assertion criteria provided. Collection method: clinical testing. Allele origin: germline. Affected: yes. Study: VKGL Data-share Consensus. Not counted in ClinVar's aggregate classification.

NM_001267550.2(TTN):c.26694G>T (p.Gly8898=)

Gene: TTN (titin; minus strand). Cytogenetic location: 2q31.2.
Variant type: single nucleotide variant.
Coding change: c.26694G>T on transcript NM_001267550.2 (MANE Select); coding-DNA position 26694, G replaced by T.
Protein change: p.Gly8898=; no amino-acid change (glycine 8898 retained).
Molecular consequence: synonymous variant. On other transcripts: intron variant (3).
Genome position (GRCh38, 1-based): chr2:178,713,964, C>A on the plus strand (G>T on the coding strand, the complement: TTN is on the minus strand). VCF-style: chr2-178713964-C-A. GRCh37 (hg19) VCF-style: chr2-179578691-C-A.
Other names: p.Gly7654=; c.25743G>T, p.Gly8581= (NM_001256850.1); c.22962G>T, p.Gly7654= (NM_133378.4); c.13282+24118G>T (NM_003319.4); c.13858+24118G>T (NM_133437.4); c.13657+24118G>T (NM_133432.3).
Identifiers: ClinVar variation 166143 (VCV000166143.54), dbSNP rs199525540, ClinGen allele CA178949.
Genomic context (GRCh38, chr2:178,713,964, plus strand): 5'-CTGCAATGAAGCTGTGCAGCTGTCTTTGCCAACAGGGTTCTGCACCTCAAAACTGTATAC[C>A]CCACTGTCACTCGGTGCTACATTGATGATCTTAAGGCCGGATACTTTGTTGAAGAAGCTT-3'
Protein context (NP_001254479.2, residues 8888-8908): KIINVAPSDS[Gly8898=]VYSFEVQNPV